The following is an entry in ClinVar:

NM_006231.4(POLE):c.5098G>A (p.Asp1700Asn)

Gene: POLE (DNA polymerase epsilon, catalytic subunit; minus strand). Cytogenetic location: 12q24.33.
Variant type: single nucleotide variant.
Coding change: c.5098G>A on transcript NM_006231.4 (MANE Select); coding-DNA position 5098, G replaced by A.
Protein change: p.Asp1700Asn; replaces aspartic acid 1700 with asparagine.
Molecular consequence: missense variant.
Genome position (GRCh38, 1-based): chr12:132,642,252, C>T on the plus strand (G>A on the coding strand, the complement: POLE is on the minus strand). VCF-style: chr12-132642252-C-T. GRCh37 (hg19) VCF-style: chr12-133218838-C-T.
Other names: short protein forms D1700N.
Identifiers: ClinVar variation 4671691 (VCV004671691.2).
Genomic context (GRCh38, chr12:132,642,252, plus strand): 5'-CTGAACTGTTGATCTCAACAGTGGCTTGGTCATCGAACTCCATGACAAGACAGTTGTCAT[C>T]AGCCTCCTTTCCACCCAGGTCAGGGCGGGCTGTAGGGGACAGCCAGAGCAGGTGGTTGTG-3'
Protein context (NP_006222.2, residues 1690-1710): ARPDLGGKEA[Asp1700Asn]DNCLVMEFDD

ClinVar aggregate classification (germline): Uncertain significance. Review status: criteria provided, multiple submitters, no conflicts (2 of 4 stars). 2 submissions from 2 submitters: Uncertain significance (2). Last evaluated 2025-09-27.

Conditions:
Hereditary cancer-predisposing syndrome. Also called: Neoplastic Syndromes, Hereditary; Tumor predisposition; Hereditary Cancer Syndrome; Hereditary neoplastic syndrome. Identifiers: Orphanet 140162, MedGen C0027672, MeSH D009386, MONDO:0015356.

Submissions (2):

Ambry Genetics
Classification: Uncertain significance for Hereditary cancer-predisposing syndrome. Last evaluated: 2025-09-27. Review status: criteria provided, single submitter. Criteria: Ambry Variant Classification Scheme 2023. Collection method: clinical testing. Allele origin: germline.
Comment: The p.D1700N variant (also known as c.5098G>A), located in coding exon 38 of the POLE gene, results from a G to A substitution at nucleotide position 5098. The aspartic acid at codon 1700 is replaced by asparagine, an amino acid with highly similar properties. This amino acid position is conserved. In addition, this alteration is predicted to be tolerated by in silico analysis. Based on the available evidence, the clinical significance of this variant remains unclear.

Labcorp Genetics (formerly Invitae), Labcorp
Classification: Uncertain significance. Last evaluated: 2025-06-10. Review status: criteria provided, single submitter. Criteria: Invitae Variant Classification Sherloc (09022015). Collection method: clinical testing. Allele origin: germline.
Comment: This sequence change replaces aspartic acid, which is acidic and polar, with asparagine, which is neutral and polar, at codon 1700 of the POLE protein (p.Asp1700Asn). This variant is not present in population databases (gnomAD no frequency). This variant has not been reported in the literature in individuals affected with POLE-related conditions. Invitae Evidence Modeling of protein sequence and biophysical properties (such as structural, functional, and spatial information, amino acid conservation, physicochemical variation, residue mobility, and thermodynamic stability) indicates that this missense variant is not expected to disrupt POLE protein function with a negative predictive value of 80%. In summary, the available evidence is currently insufficient to determine the role of this variant in disease. Therefore, it has been classified as a Variant of Uncertain Significance.